The following is an entry in ClinVar:

ClinVar aggregate classification (germline): Conflicting classifications of pathogenicity. Review status: criteria provided, conflicting classifications (1 of 4 stars). 4 submissions from 4 submitters: Uncertain significance (1); Likely benign (3). Last evaluated 2025-09-01.

Allele frequency attached by ClinVar (database versions not stated): gnomAD 0.00001; TOPMed 0.00001; gnomAD exomes 0.00002.
gnomAD v4.1: 21 of 1,610,038 alleles (0.0013%); highest among the groups gnomAD compares: Middle Eastern, 0.033%; no homozygotes.

Submissions (4):

CeGaT Center for Human Genetics Tuebingen
Classification: Likely benign. Last evaluated: 2025-09-01. Review status: criteria provided, single submitter. Criteria: CeGaT Center For Human Genetics Tuebingen Variant Classification Criteria Version 2. Collection method: clinical testing. Allele origin: germline. Affected: yes. Observed: 2 variant alleles.
Comment: SOX10: BP4, BP7

GeneDx
Classification: Uncertain significance. Last evaluated: 2025-07-17. Review status: criteria provided, single submitter. Criteria: GeneDx Variant Classification Process June 2021. Collection method: clinical testing. Allele origin: germline.
Comment: In silico analysis suggests that this variant does not alter splicing; Has not been previously published as pathogenic or benign to our knowledge

Blueprint Genetics
Classification: Likely benign. Last evaluated: 2023-12-20. Review status: criteria provided, single submitter. Criteria: ACMG Guidelines, 2015. Collection method: clinical testing. Allele origin: germline.

Labcorp Genetics (formerly Invitae), Labcorp
Classification: Likely benign. Last evaluated: 2021-09-26. Review status: criteria provided, single submitter. Criteria: Invitae Variant Classification Sherloc (09022015). Collection method: clinical testing. Allele origin: germline.

NM_006941.4(SOX10):c.981C>A (p.Ala327=)

Genes: POLR2F (RNA polymerase II, I and III subunit F; plus strand), SOX10 (SRY-box transcription factor 10; minus strand). Cytogenetic location: 22q13.1.
Variant type: single nucleotide variant.
Coding change: c.981C>A on transcript NM_006941.4 (MANE Select); coding-DNA position 981, C replaced by A.
Protein change: p.Ala327=; no amino-acid change (alanine 327 retained).
Molecular consequence: synonymous variant. On other transcripts: intron variant (3).
Genome position (GRCh38, 1-based): chr22:37,973,915, G>T on the plus strand (C>A on the coding strand, the complement: SOX10 is on the minus strand). VCF-style: chr22-37973915-G-T. GRCh37 (hg19) VCF-style: chr22-38369922-G-T.
Other names: c.*38+1605G>T (NM_001363825.1); c.293+6745G>T (NM_001301130.2, NM_001301131.2).
Identifiers: ClinVar variation 1581815 (VCV001581815.35), dbSNP rs949765986, ClinGen allele CA514776673.
Genomic context (GRCh38, chr22:37,973,915, plus strand): 5'-TGGTGAGACCGTGGGCAGAGCCACGCCTGGTGGCTTGGAGATCCAGGCGGAGTGTCCACT[G>T]GCCACGGCCAGGGCACTGCCCAGCCCATAGCCGGCTGCTGAGTAGCTGCTCACATGGCCT-3'
Protein context (NP_008872.1, residues 317-337): GYGLGSALAV[Ala327=]SGHSAWISKP